The following is an entry in ClinVar:

NM_000453.3(SLC5A5):c.1593C>G (p.Tyr531Ter)

Gene: SLC5A5 (solute carrier family 5 member 5; plus strand). Cytogenetic location: 19p13.11.
Variant type: single nucleotide variant.
Coding change: c.1593C>G on transcript NM_000453.3 (MANE Select); coding-DNA position 1593, C replaced by G.
Protein change: p.Tyr531Ter; replaces tyrosine 531 with a stop codon.
Molecular consequence: nonsense.
Genome position (GRCh38, 1-based): chr19:17,888,397, C>G. VCF-style: chr19-17888397-C-G. GRCh37 (hg19) VCF-style: chr19-17999206-C-G.
Other names: short protein forms Y531*.
Identifiers: ClinVar variation 7667 (VCV000007667.16), dbSNP rs121909177, ClinGen allele CA118967.

ClinVar aggregate classification (germline): Pathogenic. Review status: criteria provided, multiple submitters, no conflicts (2 of 4 stars). 5 submissions from 5 submitters: Pathogenic (4). 1 of the submissions does not count toward it. Last evaluated 2026-08-10.

Conditions:
SLC5A5-related disorder. Also called: SLC5A5-related condition.
Thyroid dyshormonogenesis 1. Also called: HYPOTHYROIDISM, CONGENITAL, DUE TO DYSHORMONOGENESIS, 1; IODINE ACCUMULATION, TRANSPORT, OR TRAPPING DEFECT; THYROID HORMONOGENESIS, GENETIC DEFECT IN, 1; Familial thyroid dyshormonogenesis 1. Identifiers: Orphanet 95716, MedGen C1848805, MONDO:0020716, OMIM 274400.

Allele frequency attached by ClinVar (database versions not stated): TOPMed 0.00002.
gnomAD v4.1: 18 of 1,613,870 alleles (0.0011%); highest among the groups gnomAD compares: Admixed American, 0.027%; no homozygotes.

Submissions (5):

PreventionGenetics, part of Exact Sciences
Classification: Pathogenic for SLC5A5-related condition. Last evaluated: 2026-08-10. Review status: criteria provided, single submitter. Criteria: ACMG Guidelines, 2015. Collection method: clinical testing. Allele origin: germline.
Comment: The SLC5A5 c.1593C>G variant is predicted to result in premature protein termination (p.Tyr531*). This variant has been reported in the compound heterozygous and homozygous states in individuals with iodide transport defects (Pohlenz et al. 1998. PubMed ID: 9486973; Pohlenz et al. 2000. PubMed ID: 10902780; Table 1, Oliver-Petit et al 2021. PubMed ID: 34248839). This variant was shown to create a new splice acceptor site downstream of the canonical site, resulting in a frameshift and premature protein termination (Pohlenz et al. 1998. PubMed ID: 9486973; Pohlenz et al. 2000. PubMed ID: 10902780). Functional studies are supportive for this variant disrupting proper membrane trafficking (Pohlenz et al. 2000. PubMed ID: 10902780). Truncating variants in SLC5A5 are expected to be pathogenic. This variant is interpreted as pathogenic.

Variantyx, Inc.
Classification: Pathogenic for Thyroid dyshormonogenesis 1. Last evaluated: 2026-01-16. Review status: criteria provided, single submitter. Criteria: Variantyx Assertion Criteria 2022. Collection method: clinical testing. Allele origin: germline. Inheritance: Autosomal recessive inheritance. Affected: yes.
Comment: This is a nonsense variant in the SLC5A5 gene (OMIM: 601843). Pathogenic variants in this gene have been associated with autosomal recessive thyroid dyshormonogenesis 1. This variant introduces a premature termination codon in exon 13 out of 15 and it is expected to result in loss of function, which is a known disease mechanism for SLC5A5 in this disorder (PMID: 9486973, 10902780) (PVS1). Based on the current evidence, this variant is classified as pathogenic for autosomal recessive thyroid dyshormonogenesis 1.

GeneDx
Classification: Pathogenic. Last evaluated: 2024-04-05. Review status: criteria provided, single submitter. Criteria: GeneDx Variant Classification Process June 2021. Collection method: clinical testing. Allele origin: germline. Affected: yes.
Comment: Nonsense variant predicted to result in protein truncation or nonsense mediated decay in a gene for which loss of function is a known mechanism of disease; This variant is associated with the following publications: (PMID: 25525159, 31589614, 10902780, 9486973, 34248839)

Labcorp Genetics (formerly Invitae), Labcorp
Classification: Pathogenic. Last evaluated: 2024-02-16. Review status: criteria provided, single submitter. Criteria: Invitae Variant Classification Sherloc (09022015). Collection method: clinical testing. Allele origin: germline.
Comment: This sequence change creates a premature translational stop signal (p.Tyr531*) in the SLC5A5 gene. It is expected to result in an absent or disrupted protein product. Loss-of-function variants in SLC5A5 are known to be pathogenic (PMID: 9388506, 9486973). This variant is present in population databases (rs121909177, gnomAD 0.04%). This premature translational stop signal has been observed in individual(s) with congenital hypothyroidism (PMID: 9486973). This variant is also known as Ser509ArgfsX7, fs515X. ClinVar contains an entry for this variant (Variation ID: 7667). Algorithms developed to predict the effect of sequence changes on RNA splicing suggest that this variant may disrupt the consensus splice site. For these reasons, this variant has been classified as Pathogenic.

OMIM
Classification: Pathogenic for THYROID DYSHORMONOGENESIS 1. Last evaluated: 1998-03-01. Review status: no assertion criteria provided. Collection method: literature only. Allele origin: germline. Not counted in ClinVar's aggregate classification.

Literature cited by the submitters: PubMed 9486973 (cited by 3 submitters); PubMed 34248839 (cited by Variantyx, Inc.); PubMed 9388506 (cited by Labcorp Genetics (formerly Invitae), Labcorp).